The following is an entry in ClinVar:

ClinVar aggregate classification (germline): Pathogenic (1 of 4 stars; one submission).

Submission:

Labcorp Genetics (formerly Invitae), Labcorp
Classification: Pathogenic. Last evaluated: 2025-06-04. Review status: criteria provided, single submitter. Criteria: Invitae Variant Classification Sherloc (09022015). Collection method: clinical testing. Allele origin: germline.
Comment: This sequence change creates a premature translational stop signal (p.Glu8Glyfs*6) in the OSGEP gene. It is expected to result in an absent or disrupted protein product. Loss-of-function variants in OSGEP are known to be pathogenic (PMID: 28805828, 34666032). This variant is not present in population databases (gnomAD no frequency). This variant has not been reported in the literature in individuals affected with OSGEP-related conditions. For these reasons, this variant has been classified as Pathogenic.

Literature cited by the submitters: PubMed 28805828; PubMed 34666032.

NM_017807.4(OSGEP):c.22dup (p.Glu8fs)

Genes: OSGEP (O-sialoglycoprotein endopeptidase; minus strand), LOC107372315 (OSGEP/APEX1 bi-directional promoter region; plus strand). Cytogenetic location: 14q11.2.
Variant type: Duplication.
Coding change: c.22dup on transcript NM_017807.4 (MANE Select); coding-DNA position 22, one base duplicated (G; older notation c.22dupG).
Protein change: p.Glu8fs; shifts the reading frame from glutamic acid 8.
Molecular consequence: frameshift variant.
Genome position (GRCh38, 1-based): chr14:20,454,662, C duplicated on the plus strand (G on the coding strand, the reverse complement: OSGEP is on the minus strand). VCF-style (leftmost placement, unchanged base first): chr14-20454661-T-TC. GRCh37 (hg19) VCF-style: chr14-20922820-T-TC.
Other names: short protein forms E8fs.
Identifiers: ClinVar variation 4760099 (VCV004760099.1).